The following is an entry in ClinVar:

NM_001257180.2(SLC20A2):c.1535G>A (p.Gly512Asp)

Gene: SLC20A2 (solute carrier family 20 member 2; minus strand). Cytogenetic location: 8p11.21.
Variant type: single nucleotide variant.
Coding change: c.1535G>A on transcript NM_001257180.2 (MANE Select); coding-DNA position 1535, G replaced by A.
Protein change: p.Gly512Asp; replaces glycine 512 with aspartic acid.
Molecular consequence: missense variant.
Genome position (GRCh38, 1-based): chr8:42,430,238, C>T on the plus strand (G>A on the coding strand, the complement: SLC20A2 is on the minus strand). VCF-style: chr8-42430238-C-T. GRCh37 (hg19) VCF-style: chr8-42287756-C-T.
Other names: c.1535G>A, p.Gly512Asp (NM_001257181.2, NM_006749.5); short protein forms G512D.
Identifiers: ClinVar variation 1718199 (VCV001718199.5), dbSNP rs2487099185, ClinGen allele CA371096167.
Genomic context (GRCh38, chr8:42,430,238, plus strand): 5'-GTAGCTGCTTCTTGCGTTACCCCGCCTTGTTTGTAAATCAGCCACAAGGCTACCAGGGGA[C>T]CGATGGCATTACTGGGAAAAATAAAAAGAGAAAAGATTAACTATATATGCAAGCGGCAAT-3'
Protein context (NP_001244109.1, residues 502-522): HGGNDVSNAI[Gly512Asp]PLVALWLIYK

ClinVar aggregate classification (germline): Uncertain significance (1 of 4 stars; one submission).

Submission:

Labcorp Genetics (formerly Invitae), Labcorp
Classification: Uncertain significance. Last evaluated: 2022-08-28. Review status: criteria provided, single submitter. Criteria: Invitae Variant Classification Sherloc (09022015). Collection method: clinical testing. Allele origin: germline.
Comment: This sequence change replaces glycine, which is neutral and non-polar, with aspartic acid, which is acidic and polar, at codon 512 of the SLC20A2 protein (p.Gly512Asp). This variant is not present in population databases (gnomAD no frequency). This variant has not been reported in the literature in individuals affected with SLC20A2-related conditions. Algorithms developed to predict the effect of missense changes on protein structure and function are either unavailable or do not agree on the potential impact of this missense change (SIFT: "Deleterious"; PolyPhen-2: "Probably Damaging"; Align-GVGD: "Class C0"). In summary, the available evidence is currently insufficient to determine the role of this variant in disease. Therefore, it has been classified as a Variant of Uncertain Significance.